The following is an entry in ClinVar:

ClinVar aggregate classification (germline): Pathogenic (1 of 4 stars; one submission).

Conditions:
Peroxisome biogenesis disorder. Identifiers: Orphanet 79189, MedGen C1832200, MONDO:0019234. Disease mechanism: loss of function.

Submission:

Labcorp Genetics (formerly Invitae), Labcorp
Classification: Pathogenic for Peroxisome biogenesis disorder. Last evaluated: 2023-11-09. Review status: criteria provided, single submitter. Criteria: Invitae Variant Classification Sherloc (09022015). Collection method: clinical testing. Allele origin: germline.
Comment: This sequence change inserts a large fragment of DNA, likely a transposable element, in exon 15 of the PEX6 gene (c.2601_2602ins?), causing a frameshift at codon 868 (p.Val868fs). The exact size and sequence of the insertion cannot be determined by the current assay. However, the insertion is expected to result in an absent or disrupted protein product. This variant is not present in population databases (gnomAD no frequency). This variant has not been reported in the literature in individuals affected with PEX6-related conditions. Algorithms developed to predict the effect of sequence changes on RNA splicing suggest that this variant may disrupt the consensus splice site. Retrotransposon insertions including LINE1 (L1), Alu, and SVA (SINE-VNTR-Alu) have been reported to be disease-causing through disruption of either a coding region or splice site (PMID: 19763152, 20307669, 22406018) and loss-of-function variants in PEX6 are known to be pathogenic (PMID: 10408779, 21031596, 31831025). For these reasons, this variant has been classified as Pathogenic.

Literature cited by the submitters: PubMed 19763152; PubMed 20307669; PubMed 22406018; PubMed 10408779; PubMed 21031596; PubMed 31831025.

NC_000006.12:g.42965156_42965157insTTTTTTTTTTTTTTTTTNNNNNNNNNNAGACGGGGTTTCACCGTTTTAGCCGGGATGGTCTCGATCTCCTGACCTCGTGATCCGCCCGCCTCGGCCTCCCAAAGTGCTGGGATTACAGGCGTGAGCCACCGCGCCCGGCCACAGCTTGTCAAATCTTT

Gene: PEX6 (peroxisomal biogenesis factor 6; minus strand). Cytogenetic location: 6p21.1.
Variant type: Insertion.
Genome position: GRCh38: chr6:42,965,156-42,965,157. GRCh37 (hg19): chr6:42,932,894-42,932,895.
Identifiers: ClinVar variation 1451508 (VCV001451508.6).